The following is an entry in ClinVar:

ClinVar aggregate classification (germline): Uncertain significance (1 of 4 stars; one submission).

Conditions:
Pitt-Hopkins-like syndrome 2 (PTHSL2). Identifiers: Orphanet 221150, Orphanet 600663, MedGen C3280479, MONDO:0013690, OMIM 614325.

Allele frequency attached by ClinVar (database versions not stated): gnomAD 0.00001; gnomAD exomes 0.00001 and 0.00003; TOPMed 0.00001; ExAC 0.00007; 1000 Genomes Project 30x 0.00016.
gnomAD v4.1: 17 of 1,602,614 alleles (0.0011%); highest among the groups gnomAD compares: East Asian, 0.029%; no homozygotes.

Submission:

Labcorp Genetics (formerly Invitae), Labcorp
Classification: Uncertain significance for Pitt-Hopkins-like syndrome 2. Last evaluated: 2025-01-30. Review status: criteria provided, single submitter. Criteria: Invitae Variant Classification Sherloc (09022015). Collection method: clinical testing. Allele origin: germline.
Comment: This sequence change replaces leucine, which is neutral and non-polar, with glutamine, which is neutral and polar, at codon 204 of the NRXN1 protein (p.Leu204Gln). This variant is present in population databases (rs766803760, gnomAD 0.04%). This missense change has been observed in individual(s) with clinical features of NRXN1-related conditions (PMID: 33739554). ClinVar contains an entry for this variant (Variation ID: 1022420). An algorithm developed to predict the effect of missense changes on protein structure and function (PolyPhen-2) suggests that this variant¬†is likely to be tolerated. In summary, the available evidence is currently insufficient to determine the role of this variant in disease. Therefore, it has been classified as a Variant of Uncertain Significance.

Literature cited by the submitters: PubMed 33739554.

NM_001330078.2(NRXN1):c.611T>A (p.Leu204Gln)

Gene: NRXN1 (neurexin 1; minus strand). Cytogenetic location: 2p16.3.
Variant type: single nucleotide variant.
Coding change: c.611T>A on transcript NM_001330078.2 (MANE Select); coding-DNA position 611, T replaced by A.
Protein change: p.Leu204Gln; replaces leucine 204 with glutamine.
Molecular consequence: missense variant.
Genome position (GRCh38, 1-based): chr2:51,027,663, A>T on the plus strand (T>A on the coding strand, the complement: NRXN1 is on the minus strand). VCF-style: chr2-51027663-A-T. GRCh37 (hg19) VCF-style: chr2-51254801-A-T.
Other names: c.611T>A, p.Leu204Gln (NM_001135659.3, NM_001330077.2, NM_001330079.2 and 15 more transcripts); short protein forms L204Q.
Identifiers: ClinVar variation 1022420 (VCV001022420.8), dbSNP rs766803760, ClinGen allele CA1655446.